The following is an entry in ClinVar:

ClinVar aggregate classification (germline): Uncertain significance. Review status: no assertion criteria provided (0 of 4 stars). 2 submissions from 1 submitter: Uncertain significance (1). 1 of the submissions does not count toward it.

gnomAD v4.1: 2 of 1,614,040 alleles (0.00012%); highest among the groups gnomAD compares: Non-Finnish European, 0.00017%; no homozygotes.

Submissions (2):

Richard Lifton Laboratory, Yale University School of Medicine
Classification: Uncertain significance. Review status: no assertion criteria provided. Collection method: not provided. Allele origin: somatic.
Comment: SRC:p.N400K
ClinVar note: Converted during submission from unknown to Uncertain significance.

Richard Lifton Laboratory, Yale University School of Medicine
Classification: Uncertain significance. Review status: flagged submission. Collection method: not provided. Allele origin: somatic. Not counted in ClinVar's aggregate classification.
ClinVar note: Converted during submission from unknown to Uncertain significance.
ClinVar note: Reason: This record appears to be redundant with a more recent record from the same submitter.
ClinVar note: Notes: SCV000120075 appears to be redundant with SCV000155179.

NM_198291.3(SRC):c.1200C>G (p.Asn400Lys)

Gene: SRC (SRC proto-oncogene, non-receptor tyrosine kinase; plus strand). Cytogenetic location: 20q11.23.
Variant type: single nucleotide variant.
Coding change: c.1200C>G on transcript NM_198291.3 (MANE Select); coding-DNA position 1200, C replaced by G.
Protein change: p.Asn400Lys; replaces asparagine 400 with lysine.
Molecular consequence: missense variant.
Genome position (GRCh38, 1-based): chr20:37,402,518, C>G. VCF-style: chr20-37402518-C-G. GRCh37 (hg19) VCF-style: chr20-36030921-C-G.
Other names: c.1200C>G, p.Asn400Lys (NM_005417.5); short protein forms N400K.
Identifiers: ClinVar variation 100851 (VCV000100851.2), dbSNP rs367543243, ClinGen allele CA229127.